The following is an entry in ClinVar:

ClinVar aggregate classification (germline): Uncertain significance. Review status: criteria provided, multiple submitters, no conflicts (2 of 4 stars). 2 submissions from 2 submitters: Uncertain significance (2). Last evaluated 2023-06-22.

Conditions:
Lipodystrophy, partial, acquired, susceptibility to (APLD). Also called: APLD, SUSCEPTIBILITY TO. Identifiers: MedGen C3887501, MONDO:0100476, OMIM 608709.
Progressive myoclonic epilepsy type 9. Identifiers: Orphanet 457265, MedGen C4225289, MONDO:0014685, OMIM 616540.
Microcephaly 27, primary, autosomal dominant. Identifiers: MedGen C5543051, MONDO:0030929, OMIM 619180.

Allele frequency attached by ClinVar (database versions not stated): gnomAD exomes 0.00001; TOPMed 0.00002; gnomAD 0.00003.
gnomAD v4.1: 17 of 1,610,392 alleles (0.0011%); highest among the groups gnomAD compares: African/African-American, 0.0053%; no homozygotes.

Submissions (2):

Neuberg Centre For Genomic Medicine, NCGM
Classification: Uncertain significance for Microcephaly 27, primary, autosomal dominant. Last evaluated: 2023-06-22. Review status: criteria provided, single submitter. Criteria: ACMG Guidelines, 2015. Collection method: clinical testing. Allele origin: germline. Inheritance: Autosomal dominant inheritance. Affected: yes.
Comment: The observed missense c.802G>A(p.Asp268Asn) variant in LMNB2 gene has not been reported previously as a pathogenic variant nor as a benign variant, to our knowledge. This variant is reported with the allele frequency of 0.001% in the gnomAD Exomes. This variant has been reported to the ClinVar database as Uncertain Significance. However, no details are available for independent assessment. The amino acid Asp at position 268 is changed to a Asn changing protein sequence and it might alter its composition and physico-chemical properties. The amino acid change p.Asp268Asn in LMNB2 is predicted as conserved by GERP++ and PhyloP across 100 vertebrates. Multiple lines of computational evidence (Polyphen - Not available, SIFT - Damaging, and MutationTaster - Disease causing) predict a damaging effect on protein structure and function for this variant. For these reasons, this variant has been classified as Uncertain Significance.

Labcorp Genetics (formerly Invitae), Labcorp
Classification: Uncertain significance for Progressive myoclonic epilepsy type 9; Lipodystrophy, partial, acquired, susceptibility to. Last evaluated: 2022-02-06. Review status: criteria provided, single submitter. Criteria: Invitae Variant Classification Sherloc (09022015). Collection method: clinical testing. Allele origin: germline.
Comment: Algorithms developed to predict the effect of missense changes on protein structure and function are either unavailable or do not agree on the potential impact of this missense change (SIFT: "Deleterious"; PolyPhen-2: "Probably Damaging"; Align-GVGD: "Class C15"). ClinVar contains an entry for this variant (Variation ID: 663575). This variant has not been reported in the literature in individuals affected with LMNB2-related conditions. This variant is present in population databases (no rsID available, gnomAD 0.004%). This sequence change replaces aspartic acid, which is acidic and polar, with asparagine, which is neutral and polar, at codon 268 of the LMNB2 protein (p.Asp268Asn). In summary, the available evidence is currently insufficient to determine the role of this variant in disease. Therefore, it has been classified as a Variant of Uncertain Significance.

NM_032737.4(LMNB2):c.802G>A (p.Asp268Asn)

Gene: LMNB2 (lamin B2; minus strand). Cytogenetic location: 19p13.3.
Variant type: single nucleotide variant.
Coding change: c.802G>A on transcript NM_032737.4 (MANE Select); coding-DNA position 802, G replaced by A.
Protein change: p.Asp268Asn; replaces aspartic acid 268 with asparagine.
Molecular consequence: missense variant.
Genome position (GRCh38, 1-based): chr19:2,435,054, C>T on the plus strand (G>A on the coding strand, the complement: LMNB2 is on the minus strand). VCF-style: chr19-2435054-C-T. GRCh37 (hg19) VCF-style: chr19-2435052-C-T.
Other names: short protein forms D268N.
Identifiers: ClinVar variation 663575 (VCV000663575.9), dbSNP rs1013986586, ClinGen allele CA304226703.